The following is an entry in ClinVar:

NM_000322.5(PRPH2):c.782T>C (p.Leu261Pro)

Gene: PRPH2 (peripherin 2; minus strand). Cytogenetic location: 6p21.1.
Variant type: single nucleotide variant.
Coding change: c.782T>C on transcript NM_000322.5 (MANE Select); coding-DNA position 782, T replaced by C.
Protein change: p.Leu261Pro; replaces leucine 261 with proline.
Molecular consequence: missense variant.
Genome position (GRCh38, 1-based): chr6:42,704,411, A>G on the plus strand (T>C on the coding strand, the complement: PRPH2 is on the minus strand). VCF-style: chr6-42704411-A-G. GRCh37 (hg19) VCF-style: chr6-42672149-A-G.
Other names: short protein forms L261P.
Identifiers: ClinVar variation 1461864 (VCV001461864.8), dbSNP rs2152005217, ClinGen allele CA364134798.

ClinVar aggregate classification (germline): Uncertain significance (1 of 4 stars; one submission).

Conditions:
PRPH2-related disorder. Also called: PRPH2-related condition; PRPH2-related disorders. Identifiers: MedGen CN239395.

Submission:

Labcorp Genetics (formerly Invitae), Labcorp
Classification: Uncertain significance for PRPH2-related disorder. Last evaluated: 2022-06-13. Review status: criteria provided, single submitter. Criteria: Invitae Variant Classification Sherloc (09022015). Collection method: clinical testing. Allele origin: germline.
Comment: Advanced modeling of protein sequence and biophysical properties (such as structural, functional, and spatial information, amino acid conservation, physicochemical variation, residue mobility, and thermodynamic stability) performed at Invitae indicates that this missense variant is expected to disrupt PRPH2 protein function. In summary, the available evidence is currently insufficient to determine the role of this variant in disease. Therefore, it has been classified as a Variant of Uncertain Significance. This variant has not been reported in the literature in individuals affected with PRPH2-related conditions. This variant is not present in population databases (gnomAD no frequency). This sequence change replaces leucine, which is neutral and non-polar, with proline, which is neutral and non-polar, at codon 261 of the PRPH2 protein (p.Leu261Pro).